The following is an entry in ClinVar:

ClinVar aggregate classification (germline): Conflicting classifications of pathogenicity. Review status: criteria provided, conflicting classifications (1 of 4 stars). 7 submissions from 7 submitters: Pathogenic (1); Likely pathogenic (1); Uncertain significance (4). 1 of the submissions does not count toward it. Last evaluated 2026-10-22.

Conditions:
Nephronophthisis 4 (NPHP4). Also called: NEPHRONOPHTHISIS 4, JUVENILE. Identifiers: Orphanet 655, MedGen C1847013, MONDO:0011752, OMIM 606966.
NPHP4-related disorder. Also called: NPHP4-related disorders; NPHP4-related condition. Identifiers: MedGen CN239384.
Nephronophthisis. Also called: Juvenile Nephronophthisis. Identifiers: Orphanet 655, MedGen C0687120, MONDO:0019005, HP:0000090.
Senior-Loken syndrome 4 (SLSN4). Identifiers: Orphanet 3156, MedGen C1846979, MONDO:0011756, OMIM 606996.

Allele frequency attached by ClinVar (database versions not stated): ESP Exome Variant Server 0.00008; gnomAD 0.00015; gnomAD exomes 0.00010; TOPMed 0.00014; ExAC 0.00007.
gnomAD v4.1: 226 of 1,613,702 alleles (0.014%); highest among the groups gnomAD compares: Non-Finnish European, 0.018%; no homozygotes.

Submissions (7):

GeneDx
Classification: Uncertain significance. Last evaluated: 2026-10-22. Review status: criteria provided, single submitter. Criteria: GeneDx Variant Classification Process June 2021. Collection method: clinical testing. Allele origin: germline.
Comment: Reported in patients with kidney disease in the published literature (PMID: 21068128, 36938085); In silico analysis indicates that this missense variant does not alter protein structure/function; This variant is associated with the following publications: (PMID: 36938085, 27353947, 21068128, 21866095, 36090483)

Labcorp Genetics (formerly Invitae), Labcorp
Classification: Pathogenic for Nephronophthisis. Last evaluated: 2025-12-01. Review status: criteria provided, single submitter. Criteria: Invitae Variant Classification Sherloc (09022015). Collection method: clinical testing. Allele origin: germline.
Comment: This sequence change replaces threonine, which is neutral and polar, with proline, which is neutral and non-polar, at codon 1122 of the NPHP4 protein (p.Thr1122Pro). This variant is present in population databases (rs375836844, gnomAD 0.02%). This missense change has been observed in individual(s) with clinical features of nephronophthisis (PMID: 21068128; internal data). In at least one individual the data is consistent with being in trans (on the opposite chromosome) from a pathogenic variant. It has also been observed to segregate with disease in related individuals. ClinVar contains an entry for this variant (Variation ID: 501425). Invitae Evidence Modeling of protein sequence and biophysical properties (such as structural, functional, and spatial information, amino acid conservation, physicochemical variation, residue mobility, and thermodynamic stability) indicates that this missense variant is expected to disrupt NPHP4 protein function with a positive predictive value of 80%. For these reasons, this variant has been classified as Pathogenic.

Blueprint Genetics
Classification: Uncertain significance. Last evaluated: 2024-08-29. Review status: criteria provided, single submitter. Criteria: ACMG Guidelines, 2015. Collection method: clinical testing. Allele origin: germline.

Fulgent Genetics
Classification: Likely pathogenic for Nephronophthisis 4; Senior-Loken syndrome 4. Last evaluated: 2024-03-21. Review status: criteria provided, single submitter. Criteria: ACMG Guidelines, 2015. Collection method: clinical testing. Allele origin: germline.

Baylor Genetics
Classification: Uncertain significance for Nephronophthisis 4. Last evaluated: 2018-12-04. Review status: criteria provided, single submitter. Criteria: ACMG Guidelines, 2015. Collection method: clinical testing. Allele origin: maternal. Affected: yes.
Comment: This variant was determined to be of uncertain significance according to ACMG Guidelines, 2015 [PMID:25741868].

Eurofins Ntd Llc (ga)
Classification: Uncertain significance. Last evaluated: 2017-10-25. Review status: criteria provided, single submitter. Criteria: EGL Classification Definitions 2015. Collection method: clinical testing. Allele origin: germline. Observed: 3 variant alleles, 3 heterozygotes.

PreventionGenetics, part of Exact Sciences
Classification: Uncertain significance for NPHP4-related condition. Last evaluated: 2024-09-20. Review status: no assertion criteria provided. Collection method: clinical testing. Allele origin: germline. Not counted in ClinVar's aggregate classification.
Comment: The NPHP4 c.3364A>C variant is predicted to result in the amino acid substitution p.Thr1122Pro. This variant along with a frameshift protein truncating variant has been reported in a patient with nephronophthisis associated ciliopathies (Otto et al. 2011. PubMed ID: 21068128). This variant is reported in 0.022% of alleles in individuals of European (Non-Finnish) descent in gnomAD. Although we suspect that this variant may be pathogenic, at this time, the clinical significance of this variant is uncertain due to the absence of conclusive functional and genetic evidence.

Literature cited by the submitters: PubMed 21068128 (cited by Labcorp Genetics (formerly Invitae), Labcorp).

NM_015102.5(NPHP4):c.3364A>C (p.Thr1122Pro)

Gene: NPHP4 (nephrocystin 4; minus strand). Cytogenetic location: 1p36.31.
Variant type: single nucleotide variant.
Coding change: c.3364A>C on transcript NM_015102.5 (MANE Select); coding-DNA position 3364, A replaced by C.
Protein change: p.Thr1122Pro; replaces threonine 1122 with proline.
Molecular consequence: missense variant. On other transcripts: non-coding transcript variant (1).
Genome position (GRCh38, 1-based): chr1:5,867,848, T>G on the plus strand (A>C on the coding strand, the complement: NPHP4 is on the minus strand). VCF-style: chr1-5867848-T-G. GRCh37 (hg19) VCF-style: chr1-5927908-T-G.
Other names: c.1825A>C, p.Thr609Pro (NM_001291593.2); c.1828A>C, p.Thr610Pro (NM_001291594.2); short protein forms T1122P, T610P, T609P.
Identifiers: ClinVar variation 501425 (VCV000501425.26), dbSNP rs375836844, ClinGen allele CA553638.